The following is an entry in ClinVar:

NM_001098816.3(TENM4):c.8011G>A (p.Gly2671Arg)

Gene: TENM4 (teneurin transmembrane protein 4; minus strand). Cytogenetic location: 11q14.1.
Variant type: single nucleotide variant.
Coding change: c.8011G>A on transcript NM_001098816.3 (MANE Select); coding-DNA position 8011, G replaced by A.
Protein change: p.Gly2671Arg; replaces glycine 2671 with arginine.
Molecular consequence: missense variant.
Genome position (GRCh38, 1-based): chr11:78,658,357, C>T on the plus strand (G>A on the coding strand, the complement: TENM4 is on the minus strand). VCF-style: chr11-78658357-C-T. GRCh37 (hg19) VCF-style: chr11-78369402-C-T.
Other names: p.Gly2671Arg; short protein forms G2671R.
Identifiers: ClinVar variation 710060 (VCV000710060.6), dbSNP rs114114492, ClinGen allele CA6206109.

ClinVar aggregate classification (germline): Benign. Review status: criteria provided, multiple submitters, no conflicts (2 of 4 stars). 3 submissions from 3 submitters: Benign (2). 1 of the submissions does not count toward it. Last evaluated 2023-09-14.

Conditions:
TENM4-related disorder. Also called: TENM4-related condition.

Allele frequency attached by ClinVar (database versions not stated): 1000 Genomes Project 30x 0.00390; gnomAD exomes 0.00124 and 0.00052; gnomAD 0.00468 and 0.00517; ESP Exome Variant Server 0.00542; ExAC 0.00146; 1000 Genomes Project 0.00399; TOPMed 0.00544.
gnomAD v4.1: 1,485 of 1,613,868 alleles (0.092%); highest among the groups gnomAD compares: African/African-American, 1.6%; 17 homozygotes.

Submissions (3):

Mayo Clinic Laboratories, Mayo Clinic
Classification: Benign. Last evaluated: 2023-09-14. Review status: criteria provided, single submitter. Criteria: ACMG Guidelines, 2015. Collection method: clinical testing. Allele origin: germline. Observed: 2 variant alleles.
Comment: BS1, BS2

Labcorp Genetics (formerly Invitae), Labcorp
Classification: Benign. Last evaluated: 2018-02-09. Review status: criteria provided, single submitter. Criteria: Invitae Variant Classification Sherloc (09022015). Collection method: clinical testing. Allele origin: germline.

PreventionGenetics, part of Exact Sciences
Classification: Benign for TENM4-related condition. Last evaluated: 2019-06-26. Review status: no assertion criteria provided. Collection method: clinical testing. Allele origin: germline. Not counted in ClinVar's aggregate classification.
Comment: This variant is classified as benign based on ACMG/AMP sequence variant interpretation guidelines (Richards et al. 2015 PMID: 25741868, with internal and published modifications).